The following is an entry in ClinVar:

ClinVar aggregate classification (germline): Uncertain significance (1 of 4 stars; one submission).

Allele frequency attached by ClinVar (database versions not stated): ExAC 0.00004.
gnomAD v4.1: 29 of 1,614,038 alleles (0.0018%); highest among the groups gnomAD compares: South Asian, 0.026%; no homozygotes.

Submission:

Labcorp Genetics (formerly Invitae), Labcorp
Classification: Uncertain significance. Last evaluated: 2022-04-07. Review status: criteria provided, single submitter. Criteria: Invitae Variant Classification Sherloc (09022015). Collection method: clinical testing. Allele origin: germline.
Comment: In summary, the available evidence is currently insufficient to determine the role of this variant in disease. Therefore, it has been classified as a Variant of Uncertain Significance. Algorithms developed to predict the effect of missense changes on protein structure and function (SIFT, PolyPhen-2, Align-GVGD) all suggest that this variant is likely to be tolerated. This variant has not been reported in the literature in individuals affected with MYO1E-related conditions. This variant is present in population databases (rs764257635, gnomAD 0.03%). This sequence change replaces proline, which is neutral and non-polar, with threonine, which is neutral and polar, at codon 973 of the MYO1E protein (p.Pro973Thr).

NM_004998.4(MYO1E):c.2917C>A (p.Pro973Thr)

Gene: MYO1E (myosin IE; minus strand). Cytogenetic location: 15q22.2.
Variant type: single nucleotide variant.
Coding change: c.2917C>A on transcript NM_004998.4 (MANE Select); coding-DNA position 2917, C replaced by A.
Protein change: p.Pro973Thr; replaces proline 973 with threonine.
Molecular consequence: missense variant.
Genome position (GRCh38, 1-based): chr15:59,153,753, G>T on the plus strand (C>A on the coding strand, the complement: MYO1E is on the minus strand). VCF-style: chr15-59153753-G-T. GRCh37 (hg19) VCF-style: chr15-59445952-G-T.
Other names: short protein forms P973T.
Identifiers: ClinVar variation 2165468 (VCV002165468.4), dbSNP rs764257635, ClinGen allele CA7589077.
Genomic context (GRCh38, chr15:59,153,753, plus strand): 5'-CCATGGAGGTGTACAGGCTTTTCTGATTGGACCTCTGGCTTCCAGGAGCATGGGGATATG[G>T]CACATACTGGTTTCTGATGACTCCGTTCTGATGGTATCCTAGAGAGAGGAACAGAGAAGG-3'
Protein context (NP_004989.2, residues 963-983): QNGVIRNQYV[Pro973Thr]YPHAPGSQRS